The following is an entry in ClinVar:

NM_006031.6(PCNT):c.9182C>T (p.Thr3061Met)

Gene: PCNT (pericentrin; plus strand). Cytogenetic location: 21q22.3.
Variant type: single nucleotide variant.
Coding change: c.9182C>T on transcript NM_006031.6 (MANE Select); coding-DNA position 9182, C replaced by T.
Protein change: p.Thr3061Met; replaces threonine 3061 with methionine.
Molecular consequence: missense variant.
Genome position (GRCh38, 1-based): chr21:46,438,246, C>T. VCF-style: chr21-46438246-C-T. GRCh37 (hg19) VCF-style: chr21-47858159-C-T.
Other names: c.8591C>T, p.Thr2864Met (NM_001315529.2); short protein forms T2864M, T3061M.
Identifiers: ClinVar variation 4133326 (VCV004133326.2).

ClinVar aggregate classification (germline): Uncertain significance. Review status: criteria provided, multiple submitters, no conflicts (2 of 4 stars). 2 submissions from 2 submitters: Uncertain significance (2). Last evaluated 2026-05-11.

Conditions:
PCNT-related disorder. Also called: PCNT-related condition.
Inborn genetic diseases. Identifiers: MedGen C0950123, MeSH D030342.

gnomAD v4.1: 29 of 1,614,156 alleles (0.0018%); highest among the groups gnomAD compares: South Asian, 0.0022%; no homozygotes.

Submissions (2):

PreventionGenetics, part of Exact Sciences
Classification: Uncertain significance for PCNT-related condition. Last evaluated: 2026-05-11. Review status: criteria provided, single submitter. Criteria: ACMG Guidelines, 2015. Collection method: clinical testing. Allele origin: germline.
Comment: The PCNT c.9182C>T variant is predicted to result in the amino acid substitution p.Thr3061Met. To our knowledge, this variant has not been reported in the literature. This variant is reported in 0.00088% of alleles in individuals of European (Non-Finnish) descent in gnomAD. At this time, the clinical significance of this variant is uncertain due to the absence of conclusive functional and genetic evidence.

Ambry Genetics
Classification: Uncertain significance for Inborn genetic diseases. Last evaluated: 2025-08-29. Review status: criteria provided, single submitter. Criteria: Ambry Variant Classification Scheme 2023. Collection method: clinical testing. Allele origin: germline.